The following is an entry in ClinVar:

NM_000090.4(COL3A1):c.2199del (p.Gly735fs)

Gene: COL3A1 (collagen type III alpha 1 chain; plus strand). Cytogenetic location: 2q32.2.
Variant type: Deletion.
Coding change: c.2199del on transcript NM_000090.4 (MANE Select); coding-DNA position 2199, one base deleted (T; older notation c.2199delT).
Protein change: p.Gly735fs; shifts the reading frame from glycine 735.
Molecular consequence: frameshift variant.
Genome position (GRCh38, 1-based): chr2:188,999,547, T deleted. VCF-style (leftmost placement, unchanged base first): chr2-188999546-GT-G. GRCh37 (hg19) VCF-style: chr2-189864272-GT-G.
Other names: short protein forms G735fs.
Identifiers: ClinVar variation 2452332 (VCV002452332.2), dbSNP rs2469144147, ClinGen allele CA2580065310.

ClinVar aggregate classification (germline): Pathogenic (1 of 4 stars; one submission).

Conditions:
Familial thoracic aortic aneurysm and aortic dissection (TAAD). Also called: Thoracic aortic aneurysms and dissections. Identifiers: Orphanet 91387, MedGen C4707243, MONDO:0019625.

Submission:

Ambry Genetics
Classification: Pathogenic for Familial thoracic aortic aneurysm and aortic dissection. Last evaluated: 2023-01-12. Review status: criteria provided, single submitter. Criteria: Ambry Variant Classification Scheme 2023. Collection method: clinical testing. Allele origin: germline.
Comment: The c.2199delT pathogenic mutation, located in coding exon 31 of the COL3A1 gene, results from a deletion of one nucleotide at nucleotide position 2199, causing a translational frameshift with a predicted alternate stop codon (p.G735Efs*56). This variant is considered to be rare based on population cohorts in the Genome Aggregation Database (gnomAD). This alteration is expected to result in loss of function by premature protein truncation or nonsense-mediated mRNA decay. As such, this alteration is interpreted as a disease-causing mutation.